The following is an entry in ClinVar:

ClinVar aggregate classification (germline): Uncertain significance (1 of 4 stars; one submission).

Submission:

GeneDx
Classification: Uncertain significance. Last evaluated: 2024-04-04. Review status: criteria provided, single submitter. Criteria: GeneDx Variant Classification Process June 2021. Collection method: clinical testing. Allele origin: germline. Affected: yes.
Comment: Not observed at significant frequency in large population cohorts (gnomAD); In silico analysis supports that this missense variant has a deleterious effect on protein structure/function; Has not been previously published as pathogenic or benign to our knowledge

NM_004958.4(MTOR):c.4291G>C (p.Gly1431Arg)

Gene: MTOR (mechanistic target of rapamycin kinase; minus strand). Cytogenetic location: 1p36.22.
Variant type: single nucleotide variant.
Coding change: c.4291G>C on transcript NM_004958.4 (MANE Select); coding-DNA position 4291, G replaced by C.
Protein change: p.Gly1431Arg; replaces glycine 1431 with arginine.
Molecular consequence: missense variant.
Genome position (GRCh38, 1-based): chr1:11,167,480, C>G on the plus strand (G>C on the coding strand, the complement: MTOR is on the minus strand). VCF-style: chr1-11167480-C-G. GRCh37 (hg19) VCF-style: chr1-11227537-C-G.
Other names: c.4291G>C, p.Gly1431Arg (NM_001386500.1); c.3043G>C, p.Gly1015Arg (NM_001386501.1); short protein forms G1015R, G1431R.
Identifiers: ClinVar variation 3372023 (VCV003372023.1).
Genomic context (GRCh38, chr1:11,167,480, plus strand): 5'-CCAAAAAGAATGAGGTGCTTACCAGCTCTCCAAAGTGTTTCATGGCATATTCTAACACTC[C>G]GGCCGCTGCCTCCGGCTGCTGTAGCTTATTATTAATGCTGAGAAAACAAAGGGAAAAGGT-3'
Protein context (NP_004949.1, residues 1421-1441): NKLQQPEAAA[Gly1431Arg]VLEYAMKHFG